The following is an entry in ClinVar:

ClinVar aggregate classification (germline): Uncertain significance. Review status: criteria provided, multiple submitters, no conflicts (2 of 4 stars). 3 submissions from 3 submitters: Uncertain significance (3). Last evaluated 2025-01-20.

Conditions:
Joubert syndrome. Also called: JOUBERT-BOLTSHAUSER SYNDROME; Familial aplasia of the vermis. Identifiers: Orphanet 475, MedGen C5979921, MONDO:0018772.

Allele frequency attached by ClinVar (database versions not stated): gnomAD 0.00002 and 0.00005; gnomAD exomes 0.00002 and 0.00003; TOPMed 0.00003; ExAC 0.00007; 1000 Genomes Project 0.00040; 1000 Genomes Project 30x 0.00047.
gnomAD v4.1: 34 of 1,611,100 alleles (0.0021%); highest among the groups gnomAD compares: East Asian, 0.0045%; no homozygotes.

Submissions (3):

Labcorp Genetics (formerly Invitae), Labcorp
Classification: Uncertain significance for Joubert syndrome. Last evaluated: 2025-01-20. Review status: criteria provided, single submitter. Criteria: Invitae Variant Classification Sherloc (09022015). Collection method: clinical testing. Allele origin: germline.
Comment: This sequence change replaces aspartic acid, which is acidic and polar, with asparagine, which is neutral and polar, at codon 328 of the INPP5E protein (p.Asp328Asn). The frequency data for this variant in the population databases is considered unreliable, as metrics indicate poor data quality at this position in the gnomAD database. This variant has not been reported in the literature in individuals affected with INPP5E-related conditions. ClinVar contains an entry for this variant (Variation ID: 1054603). Invitae Evidence Modeling of protein sequence and biophysical properties (such as structural, functional, and spatial information, amino acid conservation, physicochemical variation, residue mobility, and thermodynamic stability) indicates that this missense variant is expected to disrupt INPP5E protein function with a positive predictive value of 95%. In summary, the available evidence is currently insufficient to determine the role of this variant in disease. Therefore, it has been classified as a Variant of Uncertain Significance.

Blueprint Genetics
Classification: Uncertain significance. Last evaluated: 2024-10-25. Review status: criteria provided, single submitter. Criteria: ACMG Guidelines, 2015. Collection method: clinical testing. Allele origin: germline.

GeneDx
Classification: Uncertain significance. Last evaluated: 2020-07-27. Review status: criteria provided, single submitter. Criteria: GeneDx Variant Classification Process June 2021. Collection method: clinical testing. Allele origin: germline. Affected: yes.
Comment: Has not been previously published as pathogenic or benign to our knowledge

NM_019892.6(INPP5E):c.982G>A (p.Asp328Asn)

Gene: INPP5E (inositol polyphosphate-5-phosphatase E; minus strand). Cytogenetic location: 9q34.3.
Variant type: single nucleotide variant.
Coding change: c.982G>A on transcript NM_019892.6 (MANE Select); coding-DNA position 982, G replaced by A.
Protein change: p.Asp328Asn; replaces aspartic acid 328 with asparagine.
Molecular consequence: missense variant.
Genome position (GRCh38, 1-based): chr9:136,434,089, C>T on the plus strand (G>A on the coding strand, the complement: INPP5E is on the minus strand). VCF-style: chr9-136434089-C-T. GRCh37 (hg19) VCF-style: chr9-139328541-C-T.
Other names: c.982G>A, p.Asp328Asn (NM_001318502.2); short protein forms D328N.
Identifiers: ClinVar variation 1054603 (VCV001054603.12), dbSNP rs201857820, ClinGen allele CA5337005.
Genomic context (GRCh38, chr9:136,434,089, plus strand): 5'-CGCCCTACCTGTCAGAACAGCCCTCCTGGACCCCGATGACATACAGGTCCTGGGCATAGT[C>T]GGCCTCGGCTGGGAGCAGGAACTCGTCCAGGCTGGGCGGGAGCTCCTGGAAGGAGGGAGC-3'
Protein context (NP_063945.2, residues 318-338): LDEFLLPAEA[Asp328Asn]YAQDLYVIGV